The following is an entry in ClinVar:

ClinVar aggregate classification (germline): Benign. Review status: criteria provided, multiple submitters, no conflicts (2 of 4 stars). 2 submissions from 2 submitters: Benign (2). Last evaluated 2018-01-13.

Conditions:
Landau-Kleffner syndrome (FESD). Also called: EPILEPSY, FOCAL, WITH SPEECH DISORDER AND WITH OR WITHOUT MENTAL RETARDATION; APHASIA, ACQUIRED, WITH EPILEPSY. Identifiers: Orphanet 1945, Orphanet 725, Orphanet 98818, MedGen C0282512, MONDO:0009509, OMIM 245570.

Allele frequency attached by ClinVar (database versions not stated): TOPMed 0.40450; gnomAD 0.40787 and 0.41328; 1000 Genomes Project 0.42332; gnomAD exomes 0.44924; 1000 Genomes Project 30x 0.42270.
gnomAD v4.1: 89,813 of 211,944 alleles (42%); highest among the groups gnomAD compares: South Asian, 56%; 19,406 homozygotes.

Submissions (2):

Illumina Laboratory Services, Illumina
Classification: Benign for Landau-Kleffner syndrome. Last evaluated: 2018-01-13. Review status: criteria provided, single submitter. Criteria: ICSL Variant Classification Criteria 13 December 2019. Collection method: clinical testing. Allele origin: germline.
Comment: This variant was observed in the ICSL laboratory as part of a predisposition screen in an ostensibly healthy population. It had not been previously curated by ICSL or reported in the Human Gene Mutation Database (HGMD: prior to June 1st, 2018), and was therefore a candidate for classification through an automated scoring system. Utilizing variant allele frequency, disease prevalence and penetrance estimates, and inheritance mode, an automated score was calculated to assess if this variant is too frequent to cause the disease. Based on the score and internal cut-off values, a variant classified as benign is not then subjected to further curation. The score for this variant resulted in a classification of benign for this disease.

Breakthrough Genomics
Classification: Benign. Review status: criteria provided, single submitter. Criteria: ACMG Guidelines, 2015. Collection method: not provided. Allele origin: germline. Inheritance: Autosomal dominant inheritance. Affected: yes.

NM_001134407.3(GRIN2A):c.*6609T>C

Gene: GRIN2A (glutamate ionotropic receptor NMDA type subunit 2A; minus strand). Cytogenetic location: 16p13.2.
Variant type: single nucleotide variant.
Coding change: c.*6609T>C on transcript NM_001134407.3 (MANE Select); 6609 bases downstream of the stop codon, T replaced by C.
Molecular consequence: 3 prime UTR variant.
Genome position (GRCh38, 1-based): chr16:9,756,540, A>G on the plus strand (T>C on the coding strand, the complement: GRIN2A is on the minus strand). VCF-style: chr16-9756540-A-G. GRCh37 (hg19) VCF-style: chr16-9850397-A-G.
Other names: c.*6609T>C (NM_000833.5); c.*6815T>C (NM_001134408.2).
Identifiers: ClinVar variation 321501 (VCV000321501.6), dbSNP rs1420040, ClinGen allele CA10644717.